The following is an entry in ClinVar:

NM_001356.5(DDX3X):c.862A>T (p.Lys288Ter)

Gene: DDX3X (DEAD-box helicase 3 X-linked; plus strand). Cytogenetic location: Xp11.4.
Variant type: single nucleotide variant.
Coding change: c.862A>T on transcript NM_001356.5 (MANE Select); coding-DNA position 862, A replaced by T.
Protein change: p.Lys288Ter; replaces lysine 288 with a stop codon.
Molecular consequence: nonsense. On other transcripts: non-coding transcript variant (1).
Genome position (GRCh38, 1-based): chrX:41,344,126, A>T. VCF-style: chrX-41344126-A-T. GRCh37 (hg19) VCF-style: chrX-41203379-A-T.
Other names: c.862A>T, p.Lys288Ter (NM_001193416.3); c.814A>T, p.Lys272Ter (NM_001193417.3); c.304A>T, p.Lys102Ter (NM_001363819.1); short protein forms K288*, K102*, K272*.
Identifiers: ClinVar variation 2747290 (VCV002747290.3), dbSNP rs1064796820, ClinGen allele CA412770457.

ClinVar aggregate classification (germline): Pathogenic (1 of 4 stars; one submission).

Submission:

Labcorp Genetics (formerly Invitae), Labcorp
Classification: Pathogenic. Last evaluated: 2023-07-26. Review status: criteria provided, single submitter. Criteria: Invitae Variant Classification Sherloc (09022015). Collection method: clinical testing. Allele origin: germline.
Comment: For these reasons, this variant has been classified as Pathogenic. This variant has not been reported in the literature in individuals affected with DDX3X-related conditions. This variant is not present in population databases (gnomAD no frequency). This sequence change creates a premature translational stop signal (p.Lys288*) in the DDX3X gene. It is expected to result in an absent or disrupted protein product. Loss-of-function variants in DDX3X are known to be pathogenic (PMID: 26235985).

Literature cited by the submitters: PubMed 26235985.